The following is an entry in ClinVar:

NM_177438.3(DICER1):c.2166T>G (p.Tyr722Ter)

Gene: DICER1 (dicer 1, ribonuclease III; minus strand). Cytogenetic location: 14q32.13.
Variant type: single nucleotide variant.
Coding change: c.2166T>G on transcript NM_177438.3 (MANE Select); coding-DNA position 2166, T replaced by G.
Protein change: p.Tyr722Ter; replaces tyrosine 722 with a stop codon.
Molecular consequence: nonsense.
Genome position (GRCh38, 1-based): chr14:95,111,407, A>C on the plus strand (T>G on the coding strand, the complement: DICER1 is on the minus strand). VCF-style: chr14-95111407-A-C. GRCh37 (hg19) VCF-style: chr14-95577744-A-C.
Other names: c.2166T>G, p.Tyr722Ter (NM_001195573.1, NM_001271282.3, NM_001291628.2 and 1 more transcripts); short protein forms Y722*.
Identifiers: ClinVar variation 864081 (VCV000864081.10), dbSNP rs1595391320, ClinGen allele CA390882762.

ClinVar aggregate classification (germline): Pathogenic/Likely pathogenic. Review status: criteria provided, multiple submitters, no conflicts (2 of 4 stars). 3 submissions from 3 submitters: Pathogenic (2); Likely pathogenic (1). Last evaluated 2024-06-11.

Conditions:
Hereditary cancer-predisposing syndrome. Also called: Tumor predisposition; Hereditary Cancer Syndrome; Neoplastic Syndromes, Hereditary; Hereditary neoplastic syndrome. Identifiers: Orphanet 140162, MedGen C0027672, MeSH D009386, MONDO:0015356.
DICER1-related tumor predisposition. Also called: DICER1-related pleuropulmonary blastoma cancer predisposition syndrome; DICER1 syndrome. Identifiers: Orphanet 284343, MedGen C3839822, MONDO:0100216.

Submissions (3):

Ambry Genetics
Classification: Pathogenic for Hereditary cancer-predisposing syndrome. Last evaluated: 2024-06-11. Review status: criteria provided, single submitter. Criteria: Ambry Variant Classification Scheme 2023. Collection method: clinical testing. Allele origin: germline.
Comment: The p.Y722* pathogenic mutation (also known as c.2166T>G), located in coding exon 13 of the DICER1 gene, results from a T to G substitution at nucleotide position 2166. This changes the amino acid from a tyrosine to a stop codon within coding exon 13. This variant has been observed in at least one individual with a personal and/or family history that is consistent with DICER1-related tumor predisposition syndrome (Ambry internal data). This variant is considered to be rare based on population cohorts in the Genome Aggregation Database (gnomAD). This alteration is expected to result in loss of function by premature protein truncation or nonsense-mediated mRNA decay. As such, this alteration is interpreted as a disease-causing mutation.

Labcorp Genetics (formerly Invitae), Labcorp
Classification: Pathogenic for DICER1-related tumor predisposition. Last evaluated: 2023-03-04. Review status: criteria provided, single submitter. Criteria: Invitae Variant Classification Sherloc (09022015). Collection method: clinical testing. Allele origin: germline.
Comment: This variant is not present in population databases (gnomAD no frequency). This sequence change creates a premature translational stop signal (p.Tyr722*) in the DICER1 gene. It is expected to result in an absent or disrupted protein product. Loss-of-function variants in DICER1 are known to be pathogenic (PMID: 19556464, 21266384). This variant has not been reported in the literature in individuals affected with DICER1-related conditions. ClinVar contains an entry for this variant (Variation ID: 864081). For these reasons, this variant has been classified as Pathogenic.

Institute for Genomic Medicine (IGM) Clinical Laboratory, Nationwide Children's Hospital
Classification: Likely pathogenic for DICER1-related tumor predisposition. Last evaluated: 2022-10-20. Review status: criteria provided, single submitter. Criteria: ACMG Guidelines, 2015. Collection method: clinical testing. Allele origin: germline.
Comment: This variant is predicted to result in loss of function through nonsense-mediated decay of the encoded transcript or premature truncation of the encoded protein in a gene in which loss of function is a known mechanism of disease (ACMG/AMP: PVS1; PMIDs:31342592, 19556464, 21266384). This variant is absent from or present at an exceedingly low frequency in gnomAD, a large-scale control population database (ACMG/AMP: PM2).

Literature cited by the submitters: PubMed 19556464 (cited by Labcorp Genetics (formerly Invitae), Labcorp and Institute for Genomic Medicine (IGM) Clinical Laboratory, Nationwide Children's Hospital); PubMed 21266384 (cited by Labcorp Genetics (formerly Invitae), Labcorp and Institute for Genomic Medicine (IGM) Clinical Laboratory, Nationwide Children's Hospital); PubMed 31342592 (cited by Institute for Genomic Medicine (IGM) Clinical Laboratory, Nationwide Children's Hospital).